The following is an entry in ClinVar:

NM_001082971.2(DDC):c.995A>G (p.Tyr332Cys)

Gene: DDC (dopa decarboxylase; minus strand). Cytogenetic location: 7p12.2.
Variant type: single nucleotide variant.
Coding change: c.995A>G on transcript NM_001082971.2 (MANE Select); coding-DNA position 995, A replaced by G.
Protein change: p.Tyr332Cys; replaces tyrosine 332 with cysteine.
Molecular consequence: missense variant.
Genome position (GRCh38, 1-based): chr7:50,479,813, T>C on the plus strand (A>G on the coding strand, the complement: DDC is on the minus strand). VCF-style: chr7-50479813-T-C. GRCh37 (hg19) VCF-style: chr7-50547511-T-C.
Other names: c.851A>G, p.Tyr284Cys (NM_001242887.2); c.761A>G, p.Tyr254Cys (NM_001242888.2); c.716A>G, p.Tyr239Cys (NM_001242889.2); c.995A>G, p.Tyr332Cys (NM_000790.4); c.881A>G, p.Tyr294Cys (NM_001242886.2); short protein forms Y239C, Y254C, Y284C, Y294C, Y332C.
Identifiers: ClinVar variation 1683497 (VCV001683497.1), dbSNP rs2153536214, ClinGen allele CA367535572.

ClinVar aggregate classification (germline): Pathogenic (1 of 4 stars; one submission).

Conditions:
Deficiency of aromatic-L-amino-acid decarboxylase. Also called: AADC DEFICIENCY; DDC DEFICIENCY; DOPA DECARBOXYLASE DEFICIENCY; Aromatic L-Amino Acid Decarboxylase Deficiency; Aromatic amino acid decarboxylase deficiency. Identifiers: Orphanet 35708, MedGen C1291564, MONDO:0012084, OMIM 608643.

Submission:

Mendelics
Classification: Pathogenic for Deficiency of aromatic-L-amino-acid decarboxylase. Last evaluated: 2022-05-12. Review status: criteria provided, single submitter. Criteria: Mendelics Assertion Criteria 2019. Collection method: clinical testing. Allele origin: germline. Inheritance: Autosomal recessive inheritance. Affected: yes. Observed: 1 homozygote.
Comment: Originally cliassified as VUS, but reclassified to pathogenic after biochemical confirmation. Phenotype also coherent. Variant in homozygosis.